The following is an entry in ClinVar:

NM_024426.6(WT1):c.29C>A (p.Ala10Asp)

Genes: WT1 (WT1 transcription factor; minus strand), LOC107982234 (WT1/WT1-AS bi-directional promoter region; plus strand). Cytogenetic location: 11p13.
Variant type: single nucleotide variant.
Coding change: c.29C>A on transcript NM_024426.6 (MANE Select); coding-DNA position 29, C replaced by A.
Protein change: p.Ala10Asp; replaces alanine 10 with aspartic acid.
Molecular consequence: missense variant. On other transcripts: non-coding transcript variant (1).
Genome position (GRCh38, 1-based): chr11:32,435,332, G>T on the plus strand (C>A on the coding strand, the complement: WT1 is on the minus strand). VCF-style: chr11-32435332-G-T. GRCh37 (hg19) VCF-style: chr11-32456878-G-T.
Other names: c.29C>A, p.Ala10Asp (NM_000378.6, NM_024424.5); c.14C>A (NM_024426.4); short protein forms A10D.
Identifiers: ClinVar variation 584767 (VCV000584767.4), dbSNP rs997104313, ClinGen allele CA379966534.
Genomic context (GRCh38, chr11:32,435,332, plus strand): 5'-AGGCACCCAGGCCCGGAGCGGAGCGTGTGCTGAGACGCCGGCTCCGGGACACACGTGGAA[G>T]CCGGGTCCTGCAGCAAGAGGAAGTCCAGGATCGCGGCGAGGAGACGGCGGGGCCCGGGCG-3'
Protein context (NP_077744.4, residues 1-20): MDFLLLQDP[Ala10Asp]STCVPEPASQ

ClinVar aggregate classification (germline): Uncertain significance. Review status: criteria provided, multiple submitters, no conflicts (2 of 4 stars). 3 submissions from 3 submitters: Uncertain significance (3). Last evaluated 2024-12-12.

Conditions:
Hereditary cancer-predisposing syndrome. Also called: Tumor predisposition; Neoplastic Syndromes, Hereditary; Hereditary neoplastic syndrome; Hereditary Cancer Syndrome. Identifiers: Orphanet 140162, MedGen C0027672, MeSH D009386, MONDO:0015356.
Inborn genetic diseases. Identifiers: MedGen C0950123, MeSH D030342.
Wilms tumor 1 (WT1). Also called: Wilms tumor, somatic. Identifiers: Orphanet 654, MedGen CN033288, MONDO:0008679, OMIM 194070.

Allele frequency attached by ClinVar (database versions not stated): TOPMed 0.00002.
gnomAD v4.1: 9 of 1,532,268 alleles (0.00059%); highest among the groups gnomAD compares: Admixed American, 0.016%; 1 homozygote.

Submissions (3):

Ambry Genetics
Classification: Uncertain significance for Inborn genetic diseases. Last evaluated: 2024-12-12. Review status: criteria provided, single submitter. Criteria: Ambry Variant Classification Scheme 2023. Collection method: clinical testing. Allele origin: germline.
Comment: The p.A5D variant (also known as c.14C>A), located in coding exon 1 of the WT1 gene, results from a C to A substitution at nucleotide position 14. The alanine at codon 5 is replaced by aspartic acid, an amino acid with dissimilar properties. This amino acid position is conserved. In addition, this alteration is predicted to be tolerated by in silico analysis. Based on the available evidence, the clinical significance of this variant remains unclear.

Sema4
Classification: Uncertain significance for Hereditary cancer-predisposing syndrome. Last evaluated: 2021-04-28. Review status: criteria provided, single submitter. Criteria: Sema4 Curation Guidelines. Collection method: curation. Allele origin: germline.
Comment: The WT1 c.14C>A (p.A5D) variant has not been reported in the literature to our knowledge. It was not observed in the large and broad cohorts of the Genome Aggregation Database (PMID: 32461654). The variant has been reported in ClinVar (Variation ID: 584767). In silico tools suggest the impact of the variant on protein function is inconclusive, though these predictions have not been confirmed by functional studies. The evidence is insufficient to meet ACMG/AMP criteria for classifying the variant as benign or pathogenic. Thus, the clinical significance of this variant is currently uncertain.

Mendelics
Classification: Uncertain significance for Wilms tumor 1. Last evaluated: 2018-07-02. Review status: criteria provided, single submitter. Criteria: Mendelics Assertion Criteria 2017. Collection method: clinical testing. Allele origin: unknown.